The following is an entry in ClinVar:

ClinVar aggregate classification (germline): Benign (1 of 4 stars; one submission).

Allele frequency attached by ClinVar (database versions not stated): TOPMed 0.85834; gnomAD 0.85987 and 0.86447; 1000 Genomes Project 30x 0.86743; 1000 Genomes Project 0.87300.
gnomAD v4.1: 131,556 of 152,064 alleles (87%); highest among the groups gnomAD compares: East Asian, 100%; 57,431 homozygotes.

Submission:

GeneDx
Classification: Benign. Last evaluated: 2018-06-19. Review status: criteria provided, single submitter. Criteria: GeneDx Variant Classification (06012015). Collection method: clinical testing. Allele origin: germline. Affected: yes.
Comment: This variant is considered likely benign or benign based on one or more of the following criteria: it is a conservative change, it occurs at a poorly conserved position in the protein, it is predicted to be benign by multiple in silico algorithms, and/or has population frequency not consistent with disease.

NM_018136.5(ASPM):c.2760+174C>G

Gene: ASPM (assembly factor for spindle microtubules; minus strand). Cytogenetic location: 1q31.3.
Variant type: single nucleotide variant.
Coding change: c.2760+174C>G on transcript NM_018136.5 (MANE Select); 174 bases into the intron after coding-DNA position 2760, C replaced by G.
Molecular consequence: intron variant.
Genome position (GRCh38, 1-based): chr1:197,129,013, G>C on the plus strand (C>G on the coding strand, the complement: ASPM is on the minus strand). VCF-style: chr1-197129013-G-C. GRCh37 (hg19) VCF-style: chr1-197098143-G-C.
Other names: c.2760+174C>G (NM_001206846.2).
Identifiers: ClinVar variation 678053 (VCV000678053.1), dbSNP rs6695300, ClinGen allele CA35886400.